The following is an entry in ClinVar:

NM_020921.4(NIN):c.1923C>T (p.Asp641=)

Gene: NIN (ninein; minus strand). Cytogenetic location: 14q22.1.
Variant type: single nucleotide variant.
Coding change: c.1923C>T on transcript NM_020921.4 (MANE Select); coding-DNA position 1923, C replaced by T.
Protein change: p.Asp641=; no amino-acid change (aspartic acid 641 retained).
Molecular consequence: synonymous variant.
Genome position (GRCh38, 1-based): chr14:50,760,333, G>A on the plus strand (C>T on the coding strand, the complement: NIN is on the minus strand). VCF-style: chr14-50760333-G-A. GRCh37 (hg19) VCF-style: chr14-51227051-G-A.
Other names: c.1923C>T, p.Asp641= (NM_016350.5, NM_182944.3, NM_182946.2).
Identifiers: ClinVar variation 2175750 (VCV002175750.5), dbSNP rs538981711, ClinGen allele CA7182036.
Genomic context (GRCh38, chr14:50,760,333, plus strand): 5'-TTCGTTCTCATGCCTTTGCTTCATGTTCTCCTGTGCCTTCTTGCAGCTGACCACGGTTTC[G>A]TCCAGCTGCTTTTCATAATGGCGCACCTGAAGGCACAGAGTGACACCACCACAAGATTAC-3'
Protein context (NP_065972.4, residues 631-651): DKVRHYEKQL[Asp641=]ETVVSCKKAQ

ClinVar aggregate classification (germline): Benign/Likely benign. Review status: criteria provided, multiple submitters, no conflicts (2 of 4 stars). 2 submissions from 2 submitters: Benign (1); Likely benign (1). Last evaluated 2026-08-01.

Allele frequency attached by ClinVar (database versions not stated): TOPMed 0.00006; gnomAD 0.00021; ExAC 0.00077; 1000 Genomes Project 0.00140; 1000 Genomes Project 30x 0.00141.
gnomAD v4.1: 445 of 1,605,430 alleles (0.028%); highest among the groups gnomAD compares: South Asian, 0.41%; 6 homozygotes.

Submissions (2):

CeGaT Center for Human Genetics Tuebingen
Classification: Likely benign. Last evaluated: 2026-08-01. Review status: criteria provided, single submitter. Criteria: CeGaT Center For Human Genetics Tuebingen Variant Classification Criteria Version 2. Collection method: clinical testing. Allele origin: germline. Affected: yes. Observed: 1 variant allele.
Comment: NIN: BP4, BP7

Labcorp Genetics (formerly Invitae), Labcorp
Classification: Benign. Last evaluated: 2025-07-07. Review status: criteria provided, single submitter. Criteria: Invitae Variant Classification Sherloc (09022015). Collection method: clinical testing. Allele origin: germline.